The following is an entry in ClinVar:

NM_002693.3(POLG):c.3155G>A (p.Gly1052Asp)

Gene: POLG (DNA polymerase gamma, catalytic subunit; minus strand). Cytogenetic location: 15q26.1.
Variant type: single nucleotide variant.
Coding change: c.3155G>A on transcript NM_002693.3 (MANE Select); coding-DNA position 3155, G replaced by A.
Protein change: p.Gly1052Asp; replaces glycine 1052 with aspartic acid.
Molecular consequence: missense variant.
Genome position (GRCh38, 1-based): chr15:89,319,049, C>T on the plus strand (G>A on the coding strand, the complement: POLG is on the minus strand). VCF-style: chr15-89319049-C-T. GRCh37 (hg19) VCF-style: chr15-89862280-C-T.
Other names: c.3155G>A, p.Gly1052Asp (NM_001126131.2); short protein forms G1052D.
Identifiers: ClinVar variation 618839 (VCV000618839.16), dbSNP rs769328030, ClinGen allele CA393750980.

ClinVar aggregate classification (germline): Uncertain significance. Review status: criteria provided, multiple submitters, no conflicts (2 of 4 stars). 4 submissions from 4 submitters: Uncertain significance (3). 1 of the submissions does not count toward it. Last evaluated 2024-08-24.

Conditions:
POLG-related disorder. Also called: POLG-Related Spectrum Disorders; POLG-related condition; POLG-Related Disorders. Identifiers: MedGen C4763519.
Progressive sclerosing poliodystrophy (MTDPS4A). Also called: Alpers-Huttenlocher Syndrome (AHS); Alpers Syndrome; ALPERS PROGRESSIVE INFANTILE POLIODYSTROPHY; Mitochondrial DNA depletion syndrome 4A (Alpers type); ALPERS DIFFUSE DEGENERATION OF CEREBRAL GRAY MATTER WITH HEPATIC CIRRHOSIS; Alpers-Huttenlocher Syndrome. Identifiers: Orphanet 726, MedGen C0205710, MONDO:0008758, OMIM 203700.

gnomAD v4.1: 5 of 1,614,054 alleles (0.00031%); highest among the groups gnomAD compares: Admixed American, 0.0017%; no homozygotes.

Submissions (4):

Labcorp Genetics (formerly Invitae), Labcorp
Classification: Uncertain significance for Progressive sclerosing poliodystrophy. Last evaluated: 2024-08-24. Review status: criteria provided, single submitter. Criteria: Invitae Variant Classification Sherloc (09022015). Collection method: clinical testing. Allele origin: germline.
Comment: This sequence change replaces glycine, which is neutral and non-polar, with aspartic acid, which is acidic and polar, at codon 1052 of the POLG protein (p.Gly1052Asp). This variant is present in population databases (no rsID available, gnomAD 0.01%). This missense change has been observed in individual(s) with autosomal recessive POLG-related conditions (PMID: 28865037). ClinVar contains an entry for this variant (Variation ID: 618839). Invitae Evidence Modeling of protein sequence and biophysical properties (such as structural, functional, and spatial information, amino acid conservation, physicochemical variation, residue mobility, and thermodynamic stability) indicates that this missense variant is expected to disrupt POLG protein function with a positive predictive value of 95%. This variant disrupts the p.Gly1052 amino acid residue in POLG. Other variant(s) that disrupt this residue have been observed in individuals with POLG-related conditions (PMID: 28865037), which suggests that this may be a clinically significant amino acid residue. In summary, the available evidence is currently insufficient to determine the role of this variant in disease. Therefore, it has been classified as a Variant of Uncertain Significance.

Athena Diagnostics
Classification: Uncertain significance. Last evaluated: 2021-05-26. Review status: criteria provided, single submitter. Criteria: Athena Diagnostics criteria. Collection method: clinical testing. Allele origin: unknown.

ARUP Laboratories, Molecular Genetics and Genomics, ARUP Laboratories
Classification: Uncertain significance. Last evaluated: 2018-01-28. Review status: criteria provided, single submitter. Criteria: ARUP Molecular Germline Variant Investigation Process. Collection method: clinical testing. Allele origin: germline.
Comment: The POLG p.Gly1052Asp variant has not been reported in the medical literature, is not listed in gene-specific variant databases, nor has it been previously identified in our laboratory. The p.Gly1052Asp variant is listed in the Genome Aggregation Database (gnomAD) browser with an overall allele frequency of 0.00081% (identified in 2 out of 246,020 chromosomes), which indicates that it is not a common polymorphism. The glycine at codon 1052 is highly conserved considering 12 species up to bakerâ€™s yeast (Alamut software v2.10.0), and computational analyses predict that this variant does affect the structure/function of the POLG protein (SIFT: damaging, PolyPhen2: probably damaging, MutationTaster: disease causing). However, the available information is not sufficient to determine the clinical significance of the p.Gly1052Asp variant with certainty.

PreventionGenetics, part of Exact Sciences
Classification: Uncertain significance for POLG-related condition. Last evaluated: 2024-08-30. Review status: no assertion criteria provided. Collection method: clinical testing. Allele origin: germline. Not counted in ClinVar's aggregate classification.
Comment: The POLG c.3155G>A variant is predicted to result in the amino acid substitution p.Gly1052Asp. This variant was reported in two individuals with Alpers syndrome, along with a second POLG variant for which the phase of the variants was not described (Supplementary Table, Hikmat et al. 2017. PubMed ID: 28865037). This variant is reported in 0.0099% of alleles in individuals of Ashkenazi Jewish descent in gnomAD. At this time, the clinical significance of this variant is uncertain due to the absence of conclusive functional and genetic evidence.

Literature cited by the submitters: PubMed 28865037 (cited by Labcorp Genetics (formerly Invitae), Labcorp and Athena Diagnostics).